The following is an entry in ClinVar:

ClinVar aggregate classification (germline): Uncertain significance (1 of 4 stars; one submission).

Conditions:
Hereditary cancer-predisposing syndrome. Also called: Neoplastic Syndromes, Hereditary; Tumor predisposition; Hereditary Cancer Syndrome; Hereditary neoplastic syndrome. Identifiers: Orphanet 140162, MedGen C0027672, MeSH D009386, MONDO:0015356.
Cardiovascular phenotype. Identifiers: MedGen CN230736.

Submission:

Ambry Genetics
Classification: Uncertain significance for Cardiovascular phenotype; Hereditary cancer-predisposing syndrome. Last evaluated: 2022-05-24. Review status: criteria provided, single submitter. Criteria: Ambry Variant Classification Scheme 2023. Collection method: clinical testing. Allele origin: germline.
Comment: The p.L659R variant (also known as c.1976T>G), located in coding exon 17 of the LZTR1 gene, results from a T to G substitution at nucleotide position 1976. The leucine at codon 659 is replaced by arginine, an amino acid with dissimilar properties. This amino acid position is conserved. In addition, this alteration is predicted to be deleterious by in silico analysis. Since supporting evidence is limited at this time, the clinical significance of this alteration remains unclear.

NM_006767.4(LZTR1):c.1976T>G (p.Leu659Arg)

Gene: LZTR1 (leucine zipper like post translational regulator 1; plus strand). Cytogenetic location: 22q11.21.
Variant type: single nucleotide variant.
Coding change: c.1976T>G on transcript NM_006767.4 (MANE Select); coding-DNA position 1976, T replaced by G.
Protein change: p.Leu659Arg; replaces leucine 659 with arginine.
Molecular consequence: missense variant.
Genome position (GRCh38, 1-based): chr22:20,995,779, T>G. VCF-style: chr22-20995779-T-G. GRCh37 (hg19) VCF-style: chr22-21350068-T-G.
Other names: short protein forms L659R.
Identifiers: ClinVar variation 1783721 (VCV001783721.2), dbSNP rs1924814468, ClinGen allele CA410778993.
Genomic context (GRCh38, chr22:20,995,779, plus strand): 5'-CCTGCTCAGGGACCCTCCTACCCCCAGGCACATCTCTGATCCAGGACATGAAGGCATACC[T>G]GGAGGGAGCGGGCGCGGAATTCTGTGACATCACTCTGTTGCTTGACGGGCACCCACGGCC-3'
Protein context (NP_006758.2, residues 649-669): TSLIQDMKAY[Leu659Arg]EGAGAEFCDI